The following is an entry in ClinVar:

NM_080424.4(SP110):c.814C>A (p.Pro272Thr)

Genes: SP140 (SP140 nuclear body protein; plus strand), SP110 (SP110 nuclear body protein; minus strand). Cytogenetic location: 2q37.1.
Variant type: single nucleotide variant.
Coding change: c.814C>A on transcript NM_080424.4 (MANE Select); coding-DNA position 814, C replaced by A.
Protein change: p.Pro272Thr; replaces proline 272 with threonine.
Molecular consequence: missense variant.
Genome position (GRCh38, 1-based): chr2:230,209,946, G>T on the plus strand (C>A on the coding strand, the complement: SP110 is on the minus strand). VCF-style: chr2-230209946-G-T. GRCh37 (hg19) VCF-style: chr2-231074661-G-T.
Other names: c.832C>A, p.Pro278Thr (NM_001185015.2, NM_001378442.1, NM_001378444.1 and 2 more transcripts); c.814C>A, p.Pro272Thr (NM_001378443.1, NM_001378447.1, NM_004509.5 and 1 more transcripts); short protein forms P272T, P278T.
Identifiers: ClinVar variation 1993979 (VCV001993979.4), dbSNP rs2044286138, ClinGen allele CA350914118.
Genomic context (GRCh38, chr2:230,209,946, plus strand): 5'-CTGAATTCACCCTTCTGACCTCTACAGAAGAAAGGCTTTTCTTACCTTTCTTGTCTGAAG[G>T]TGTGCTGGACACCTCCTGGGGCTCTTCTGGGTCATTTGGTTCTGGAGAATTATCTCTTAT-3'
Protein context (NP_536349.3, residues 262-282): PEEPQEVSST[Pro272Thr]SDKKGKKRKR

ClinVar aggregate classification (germline): Uncertain significance (1 of 4 stars; one submission).

Conditions:
Hepatic veno-occlusive disease-immunodeficiency syndrome. Also called: Hepatic Veno-Occlusive Disease with Immunodeficiency. Identifiers: Orphanet 79124, MedGen C1856128, MONDO:0009338, OMIM 235550. Disease mechanism: loss of function.

Allele frequency attached by ClinVar (database versions not stated): gnomAD 0.00001.
gnomAD v4.1: 3 of 1,602,226 alleles (0.00019%); highest among the groups gnomAD compares: Admixed American, 0.005%; no homozygotes.

Submission:

Labcorp Genetics (formerly Invitae), Labcorp
Classification: Uncertain significance for Hepatic veno-occlusive disease-immunodeficiency syndrome. Last evaluated: 2022-05-13. Review status: criteria provided, single submitter. Criteria: Invitae Variant Classification Sherloc (09022015). Collection method: clinical testing. Allele origin: germline.
Comment: In summary, the available evidence is currently insufficient to determine the role of this variant in disease. Therefore, it has been classified as a Variant of Uncertain Significance. Algorithms developed to predict the effect of missense changes on protein structure and function (SIFT, PolyPhen-2, Align-GVGD) all suggest that this variant is likely to be tolerated. This variant has not been reported in the literature in individuals affected with SP110-related conditions. This variant is not present in population databases (gnomAD no frequency). This sequence change replaces proline, which is neutral and non-polar, with threonine, which is neutral and polar, at codon 272 of the SP110 protein (p.Pro272Thr).